The following is an entry in ClinVar:

NM_198578.4(LRRK2):c.4436T>A (p.Phe1479Tyr)

Gene: LRRK2 (leucine rich repeat kinase 2; plus strand). Cytogenetic location: 12q12.
Variant type: single nucleotide variant.
Coding change: c.4436T>A on transcript NM_198578.4 (MANE Select); coding-DNA position 4436, T replaced by A.
Protein change: p.Phe1479Tyr; replaces phenylalanine 1479 with tyrosine.
Molecular consequence: missense variant.
Genome position (GRCh38, 1-based): chr12:40,310,549, T>A. VCF-style: chr12-40310549-T-A. GRCh37 (hg19) VCF-style: chr12-40704351-T-A.
Other names: short protein forms F1479Y.
Identifiers: ClinVar variation 3540490 (VCV003540490.1).

ClinVar aggregate classification (germline): Uncertain significance (1 of 4 stars; one submission).

Conditions:
Inborn genetic diseases. Identifiers: MedGen C0950123, MeSH D030342.

gnomAD v4.1: 13 of 1,610,854 alleles (0.00081%); highest among the groups gnomAD compares: Non-Finnish European, 0.001%; no homozygotes.

Submission:

Ambry Genetics
Classification: Uncertain significance for Inborn genetic diseases. Last evaluated: 2024-07-08. Review status: criteria provided, single submitter. Criteria: Ambry Variant Classification Scheme 2023. Collection method: clinical testing. Allele origin: germline.
Comment: The p.F1479Y variant (also known as c.4436T>A), located in coding exon 31 of the LRRK2 gene, results from a T to A substitution at nucleotide position 4436. The phenylalanine at codon 1479 is replaced by tyrosine, an amino acid with highly similar properties. This amino acid position is conserved. In addition, the in silico prediction for this alteration is inconclusive. Based on the available evidence, the clinical significance of this variant remains unclear.